The following is an entry in ClinVar:

NM_004482.4(GALNT3):c.1313G>T (p.Arg438Leu)

Gene: GALNT3 (polypeptide N-acetylgalactosaminyltransferase 3; minus strand). Cytogenetic location: 2q24.3.
Variant type: single nucleotide variant.
Coding change: c.1313G>T on transcript NM_004482.4 (MANE Select); coding-DNA position 1313, G replaced by T.
Protein change: p.Arg438Leu; replaces arginine 438 with leucine.
Molecular consequence: missense variant.
Genome position (GRCh38, 1-based): chr2:165,757,126, C>A on the plus strand (G>T on the coding strand, the complement: GALNT3 is on the minus strand). VCF-style: chr2-165757126-C-A. GRCh37 (hg19) VCF-style: chr2-166613636-C-A.
Other names: short protein forms R438L.
Identifiers: ClinVar variation 2900321 (VCV002900321.3), dbSNP rs1159208891, ClinGen allele CA349034766.

ClinVar aggregate classification (germline): Likely pathogenic (1 of 4 stars; one submission).

gnomAD v4.1: 1 of 1,614,066 alleles (0.000062%); highest among the groups gnomAD compares: African/African-American, 0.0013%; no homozygotes.

Submission:

Labcorp Genetics (formerly Invitae), Labcorp
Classification: Likely pathogenic. Last evaluated: 2023-08-29. Review status: criteria provided, single submitter. Criteria: Invitae Variant Classification Sherloc (09022015). Collection method: clinical testing. Allele origin: germline.
Comment: This sequence change replaces arginine, which is basic and polar, with leucine, which is neutral and non-polar, at codon 438 of the GALNT3 protein (p.Arg438Leu). This variant is present in population databases (no rsID available, gnomAD 0.007%). This missense change has been observed in individual(s) with tumoral calcinosis (Invitae). Advanced modeling of protein sequence and biophysical properties (such as structural, functional, and spatial information, amino acid conservation, physicochemical variation, residue mobility, and thermodynamic stability) performed at Invitae indicates that this missense variant is expected to disrupt GALNT3 protein function. Algorithms developed to predict the effect of sequence changes on RNA splicing suggest that this variant may disrupt the consensus splice site. This variant disrupts the p.Arg438 amino acid residue in GALNT3. Other variant(s) that disrupt this residue have been determined to be pathogenic (PMID: 18982401, 21347749, 27164190). This suggests that this residue is clinically significant, and that variants that disrupt this residue are likely to be disease-causing. In summary, the currently available evidence indicates that the variant is pathogenic, but additional data are needed to prove that conclusively. Therefore, this variant has been classified as Likely Pathogenic.

Literature cited by the submitters: PubMed 18982401; PubMed 21347749; PubMed 27164190.